The following is an entry in ClinVar:

ClinVar aggregate classification (germline): Pathogenic/Likely pathogenic. Review status: criteria provided, multiple submitters, no conflicts (2 of 4 stars). 6 submissions from 6 submitters: Pathogenic (4); Likely pathogenic (2). Last evaluated 2025-07-22.

Conditions:
Acral peeling skin syndrome. Also called: Peeling skin syndrome 2. Identifiers: Orphanet 263534, MedGen C1853354, MONDO:0012345, OMIM 609796.
TGM5-related disorder. Also called: TGM5-related condition.

Submissions (6):

PreventionGenetics, part of Exact Sciences
Classification: Pathogenic for TGM5-related condition. Last evaluated: 2025-07-22. Review status: criteria provided, single submitter. Criteria: ACMG Guidelines, 2015. Collection method: clinical testing. Allele origin: germline.
Comment: The TGM5 c.255delC variant is predicted to result in a frameshift and premature protein termination (p.Ser86Alafs*17). This variant has been reported in individuals with acral peeling skin syndrome (Van der Velden et al. 2015. PubMed ID: 25644735; Szczecinska et al. 2014. PubMed ID: 24628291). This variant is reported in 0.21% of alleles in individuals of Ashkenazi Jewish descent in gnomAD. Frameshift variants in TGM5 are expected to be pathogenic. This variant is interpreted as pathogenic.

Blueprint Genetics
Classification: Pathogenic for TGM5-related disorders. Last evaluated: 2024-07-16. Review status: criteria provided, single submitter. Criteria: ACMG Guidelines, 2015. Collection method: clinical testing. Allele origin: germline. Affected: yes. Observed: 3 variant alleles.

Victorian Clinical Genetics Services, Murdoch Childrens Research Institute
Classification: Pathogenic for Acral peeling skin syndrome. Last evaluated: 2023-07-17. Review status: criteria provided, single submitter. Criteria: ACMG Guidelines, 2015. Collection method: clinical testing. Allele origin: germline. Inheritance: Autosomal recessive inheritance. Affected: yes.
Comment: Based on the classification scheme VCGS_Germline_v1.3.4, this variant is classified as Pathogenic. Following criteria are met: 0102 - Loss-of-function is a known mechanism of disease for this gene and is associated with peeling skin syndrome 2 (MIM#609796). (I) 0106 - This gene is known to be associated with autosomal recessive disease. (I) 0201 - Variant is predicted to cause nonsense-mediated decay (NMD) and loss of protein (premature termination codon is located at least 54 nucleotides upstream of the final exon-exon junction). (SP) 0251 - This variant is heterozygous. (I) 0304 - Variant is present in gnomAD (v2) <0.01 for a recessive condition (26 heterozygotes, 0 homozygotes). (SP) 0702 - Other NMD predicted variants comparable to the one identified in this case have strong previous evidence for pathogenicity (DECIPHER). (SP) 0802 - This variant has moderate previous evidence of pathogenicity in unrelated individuals. This variant has been classified as pathogenic or likely pathogenic by clinical laboratories in ClinVar and has been observed as compound heterozygous in two unrelated individuals with acral peeling skin syndrome in the literature (PMIDs: 25644735, 24628291). (SP) 1208 - Inheritance information for this variant is not currently available in this individual. (I) Legend: (SP) - Supporting pathogenic, (I) - Information, (SB) - Supporting benign

GeneDx
Classification: Pathogenic. Last evaluated: 2023-04-21. Review status: criteria provided, single submitter. Criteria: GeneDx Variant Classification Process June 2021. Collection method: clinical testing. Allele origin: germline. Affected: yes.
Comment: Frameshift variant predicted to result in protein truncation or nonsense mediated decay in a gene for which loss-of-function is a known mechanism of disease; This variant is associated with the following publications: (PMID: 24628291, 25644735)

Department of Pathology and Laboratory Medicine, Sinai Health System
Classification: Likely pathogenic for Acral peeling skin syndrome. Last evaluated: 2023-02-03. Review status: criteria provided, single submitter. Criteria: ACMG Guidelines, 2015. Collection method: research. Allele origin: germline.

Illumina Laboratory Services, Illumina
Classification: Likely pathogenic for Acral peeling skin syndrome. Last evaluated: 2018-11-12. Review status: criteria provided, single submitter. Criteria: ICSL Variant Classification Criteria 09 May 2019. Collection method: clinical testing. Allele origin: germline.
Comment: The TGM5 c.255delC (p.Ser86AlafsTer17) variant results in a frameshift, and is predicted to result in premature termination of the protein. The two brothers carried the variant in trans with a deletion variant in the splice donor site of intron 7, while the third individual carried the variant in trans with a missense variant (Szczecinska et al 2014; van der Velden et al. 2015). Control data are not available for this variant which is reported at a frequency of 0.002087 in the Ashkenazi Jewish population of the Genome Aggregation Database. Based on the evidence and potential impact of stop-gained variants, the p.Ser86AlafsTer17 is classified as likely pathogenic for peeling skin syndrome. This variant was observed by ICSL as part of a predisposition screen in an ostensibly healthy population.

Literature cited by the submitters: PubMed 24628291 (cited by Victorian Clinical Genetics Services, Murdoch Childrens Research Institute and Illumina Laboratory Services, Illumina); PubMed 25644735 (cited by Victorian Clinical Genetics Services, Murdoch Childrens Research Institute and Illumina Laboratory Services, Illumina).

NM_201631.4(TGM5):c.255del (p.Ser86fs)

Gene: TGM5 (transglutaminase 5; minus strand). Cytogenetic location: 15q15.2.
Variant type: Deletion.
Coding change: c.255del on transcript NM_201631.4 (MANE Select); coding-DNA position 255, one base deleted (C; older notation c.255delC).
Protein change: p.Ser86fs; shifts the reading frame from serine 86.
Molecular consequence: frameshift variant. On other transcripts: intron variant (1).
Genome position (GRCh38, 1-based): chr15:43,260,233, G deleted on the plus strand (C on the coding strand, the reverse complement: TGM5 is on the minus strand); the first of 4 consecutive G bases (chr15:43,260,233-43,260,236); deleting any one gives the same sequence. VCF-style (leftmost placement, unchanged base first): chr15-43260232-TG-T. GRCh37 (hg19) VCF-style: chr15-43552430-TG-T.
Other names: c.190+167del (NM_004245.4); c.255delC (NM_201631.3); short protein forms S86fs.
Identifiers: ClinVar variation 631730 (VCV000631730.11), dbSNP rs778322388, ClinGen allele CA7521400.
Genomic context (GRCh38, chr15:43,260,232, plus strand): 5'-CGCACAAGCTCACCTCTGTGGAGGTGGCCCCATTGGTCTCCAGCCAGGCAATCCAGGGGC[TG>T]GGGCTGTGATGGCGTGCCAGGCTGAACACAGCCCGAGTCCCCAAGGCCAGGTCTGGCAGC-3'